The following is an entry in ClinVar:

NC_000009.12:g.70810022T>C

Genes: MIR204 (microRNA 204; minus strand), TRPM3 (transient receptor potential cation channel subfamily M member 3; minus strand). Cytogenetic location: 9q21.12.
Variant type: single nucleotide variant.
Molecular consequence: intron variant (on NM_001366145.2). On other transcripts: non-coding transcript variant (1).
Genome position: GRCh38 VCF-style: chr9-70810022-T-C. GRCh37 (hg19) VCF-style: chr9-73424938-T-C.
Other names: c.979+17825A>G (NM_001366143.2, NM_001366141.2, NM_001366142.2 and 1 more transcripts); c.973+17825A>G (NM_001366150.2, NM_001366151.2, NM_001007471.4 and 4 more transcripts); c.1048+1148A>G (NM_001366148.2, NM_001366152.2, NM_001366147.2); c.514+17825A>G (NM_206944.5, NM_020952.6, NM_206945.5 and 3 more transcripts); c.589+1148A>G (NM_206947.5, NM_206946.5, NM_001007470.3).
Identifiers: ClinVar variation 2119305 (VCV002119305.4), dbSNP rs2091652004, ClinGen allele CA465259929.
Genomic context (GRCh38, chr9:70,810,022, plus strand): 5'-GATCAAAAAAGATGCCAGTGATGACAATTGAACGTCCCTTTGCCTTCCCAGCCTCCTTCA[T>C]ATATTCTCAGGCATAGGATGACAAAGGGAAGTCCACGAGTCACATGAAGAAAGACTGTAG-3'

ClinVar aggregate classification (germline): Uncertain significance (1 of 4 stars; one submission).

Submission:

Labcorp Genetics (formerly Invitae), Labcorp
Classification: Uncertain significance. Last evaluated: 2022-03-29. Review status: criteria provided, single submitter. Criteria: Invitae Variant Classification Sherloc (09022015). Collection method: clinical testing. Allele origin: germline.
Comment: In summary, the available evidence is currently insufficient to determine the role of this variant in disease. Therefore, it has been classified as a Variant of Uncertain Significance. Experimental studies and prediction algorithms are not available or were not evaluated, and the functional significance of this variant is currently unknown. This variant has not been reported in the literature in individuals affected with MIR204-related conditions. This variant is not present in population databases (gnomAD no frequency). This variant occurs in the MIR204 gene, which encodes an RNA molecule that does not result in a protein product.